The following is an entry in ClinVar:

ClinVar aggregate classification (germline): Likely pathogenic. Review status: criteria provided, multiple submitters, no conflicts (2 of 4 stars). 2 submissions from 2 submitters: Likely pathogenic (2). Last evaluated 2021-09-21.

Conditions:
EZH2-related disorder.

Submissions (2):

Blueprint Genetics
Classification: Likely pathogenic for EZH2-related disorders. Last evaluated: 2021-09-21. Review status: criteria provided, single submitter. Criteria: ACMG Guidelines, 2015. Collection method: clinical testing. Allele origin: de novo. Affected: yes. Observed: 1 variant allele.

GeneDx
Classification: Likely pathogenic. Last evaluated: 2016-07-20. Review status: criteria provided, single submitter. Criteria: GeneDx Variant Classification (06012015). Collection method: clinical testing. Allele origin: germline. Affected: yes.
Comment: The Y741H variant has not been published as a pathogenic variant, nor has it been reported as a benign variantto our knowledge. A different missense change at this position (Y741C) has been reportedpreviously as a de novo variant in an individual with increased height, increased occipito-frontalcircumference, round face, hypertelorism, high broad forehead, and high hairline (Tatton-Brown etal., 2011). The Y741H variant was not observed in approximately 6,500 individuals of Europeanand African American ancestry in the NHLBI Exome Sequencing Project, indicating it is not acommon benign variant in these populations. The Y741H variant is a non-conservative amino acidsubstitution, which is likely to impact secondary protein structure as these residues differ inpolarity, charge, size, and/or other properties. This substitution occurs at a position that isconserved across species, and in silico analysis predicts this variant is probably damaging to theprotein structure/function. Therefore, this variant is likely pathogenic; however, the possibilitythat it is benign cannot be excluded.

NM_004456.5(EZH2):c.2221T>C (p.Tyr741His)

Gene: EZH2 (enhancer of zeste 2 polycomb repressive complex 2 subunit; minus strand). Cytogenetic location: 7q36.1.
Variant type: single nucleotide variant.
Coding change: c.2221T>C on transcript NM_004456.5 (MANE Select); coding-DNA position 2221, T replaced by C.
Protein change: p.Tyr741His; replaces tyrosine 741 with histidine.
Molecular consequence: missense variant.
Genome position (GRCh38, 1-based): chr7:148,807,681, A>G on the plus strand (T>C on the coding strand, the complement: EZH2 is on the minus strand). VCF-style: chr7-148807681-A-G. GRCh37 (hg19) VCF-style: chr7-148504773-A-G.
Other names: c.2206T>C, p.Tyr736His (NM_001203247.2); c.2179T>C, p.Tyr727His (NM_001203248.2); c.2053T>C, p.Tyr685His (NM_001203249.2); c.2089T>C, p.Tyr697His (NM_152998.3); short protein forms Y741H, Y736H, Y697H, Y727H, Y685H.
Identifiers: ClinVar variation 421581 (VCV000421581.3), dbSNP rs1064795225, ClinGen allele CA16618392.